The following is an entry in ClinVar:

NM_002519.3(NPAT):c.2599C>G (p.Leu867Val)

Gene: NPAT (nuclear protein, coactivator of histone transcription; minus strand). Cytogenetic location: 11q22.3.
Variant type: single nucleotide variant.
Coding change: c.2599C>G on transcript NM_002519.3 (MANE Select); coding-DNA position 2599, C replaced by G.
Protein change: p.Leu867Val; replaces leucine 867 with valine.
Molecular consequence: missense variant.
Genome position (GRCh38, 1-based): chr11:108,172,385, G>C on the plus strand (C>G on the coding strand, the complement: NPAT is on the minus strand). VCF-style: chr11-108172385-G-C. GRCh37 (hg19) VCF-style: chr11-108043112-G-C.
Other names: c.2599C>G, p.Leu867Val (NM_001321307.1); short protein forms L867V.
Identifiers: ClinVar variation 1793601 (VCV001793601.2), dbSNP rs1475504478, ClinGen allele CA382512629.
Genomic context (GRCh38, chr11:108,172,385, plus strand): 5'-CATTAGACTGACTTACAGATGTTCCTAACGCTGTTGGATCAGTCACACAGGTAGCTATCA[G>C]AATGTTATTTGAATTGCCAAAAGCTGTGCTTGTGGCTGGCATCAACTGTATATATCCTCC-3'
Protein context (NP_002510.2, residues 857-877): STAFGNSNNI[Leu867Val]IATCVTDPTA

ClinVar aggregate classification (germline): Uncertain significance (1 of 4 stars; one submission).

Submission:

Ambry Genetics
Classification: Uncertain significance. Last evaluated: 2021-10-26. Review status: criteria provided, single submitter. Criteria: Ambry Variant Classification Scheme 2023. Collection method: clinical testing. Allele origin: germline.
Comment: The p.L867V variant (also known as c.2599C>G), located in coding exon 13 of the NPAT gene, results from a C to G substitution at nucleotide position 2599. The leucine at codon 867 is replaced by valine, an amino acid with highly similar properties. This amino acid position is conserved. In addition, this alteration is predicted to be tolerated by in silico analysis. Since supporting evidence is limited at this time, the clinical significance of this alteration remains unclear.